The following is an entry in ClinVar:

NM_004933.3(CDH15):c.1903C>T (p.Arg635Trp)

Gene: CDH15 (cadherin 15; plus strand). Cytogenetic location: 16q24.3.
Variant type: single nucleotide variant.
Coding change: c.1903C>T on transcript NM_004933.3 (MANE Select); coding-DNA position 1903, C replaced by T.
Protein change: p.Arg635Trp; replaces arginine 635 with tryptophan.
Molecular consequence: missense variant.
Genome position (GRCh38, 1-based): chr16:89,193,517, C>T. VCF-style: chr16-89193517-C-T. GRCh37 (hg19) VCF-style: chr16-89259925-C-T.
Other names: short protein forms R635W.
Identifiers: ClinVar variation 4887191 (VCV004887191.1).
Genomic context (GRCh38, chr16:89,193,517, plus strand): 5'-CCTCATTCCCCAGTGCTGGTCCTGCTCGTGGCACTCCGGGCGCGGTTCTGGAAGCAGTCT[C>T]GGGGCAAGGGGCTGCTGCACGGCCCCCAGGACGACCTTCGAGACAATGTCCTCAACTACG-3'
Protein context (NP_004924.1, residues 625-645): ALRARFWKQS[Arg635Trp]GKGLLHGPQD

ClinVar aggregate classification (germline): Uncertain significance (1 of 4 stars; one submission).

gnomAD v4.1: 5 of 1,612,074 alleles (0.00031%); highest among the groups gnomAD compares: African/African-American, 0.0027%; no homozygotes.

Submission:

Women's Health and Genetics/Laboratory Corporation of America, LabCorp
Classification: Uncertain significance. Last evaluated: 2026-06-16. Review status: criteria provided, single submitter. Criteria: LabCorp Variant Classification Summary - May 2015. Collection method: clinical testing. Allele origin: germline.
Comment: Variant summary: CDH15 c.1903C>T (p.Arg635Trp) results in a non-conservative amino acid change in the encoded protein sequence. Algorithms developed to predict the effect of missense changes on protein structure and function are either unavailable or do not agree on the potential impact of this missense change. The variant was absent in 247978 control chromosomes. The available data on variant occurrences in the general population are insufficient to allow any conclusion about variant significance. To our knowledge, no occurrence of c.1903C>T in individuals affected with CDH15-related conditions and no experimental evidence demonstrating its impact on protein function have been reported. No submitters have cited clinical-significance assessments for this variant to ClinVar. Based on the evidence outlined above, the variant was classified as uncertain significance.